The following is an entry in ClinVar:

ClinVar aggregate classification (germline): Uncertain significance (1 of 4 stars; one submission).

Submission:

Women's Health and Genetics/Laboratory Corporation of America, LabCorp
Classification: Uncertain significance. Last evaluated: 2026-02-20. Review status: criteria provided, single submitter. Criteria: LabCorp Variant Classification Summary - May 2015. Collection method: clinical testing. Allele origin: germline.
Comment: Variant summary: The variant involves the deletion of exons 6-8 in the IFIH1 gene. A presumed nomenclature of c.(1095+1_1096-1)_(1641+1_1642-1)del has been designated for the purposes of this classification. This Copy Number Variant (CNV) is predicted to result in an in-frame deletion within this gene. Current evidence is not sufficient to establish loss of function as a mechanism for disease. The variant was absent in 21694 control chromosomes. The available data on variant occurrences in the general population are insufficient to allow any conclusion about variant significance. To our knowledge, no occurrence of c.(1095+1_1096-1)_(1641+1_1642-1)del in individuals affected with IFIH1-related conditions and no experimental evidence demonstrating its impact on protein function have been reported. ClinVar contains an entry for this variant (Variation ID: 3247404). Based on the evidence outlined above, the variant was classified as uncertain significance.

NC_000002.11:g.(163134839_163136505)_(163139087_163144644)del

Gene: IFIH1 (interferon induced with helicase C domain 1; minus strand). Cytogenetic location: 2q24.2.
Variant type: Deletion.
Identifiers: ClinVar variation 4848191 (VCV004848191.1).